The following is an entry in ClinVar:

NM_138694.4(PKHD1):c.4792C>G (p.Leu1598Val)

Genes: PKHD1 (PKHD1 ciliary IPT domain containing fibrocystin/polyductin; minus strand), LOC126859690 (MED14-independent group 3 enhancer GRCh37_chr6:51888848-51890047; plus strand). Cytogenetic location: 6p12.2.
Variant type: single nucleotide variant.
Coding change: c.4792C>G on transcript NM_138694.4 (MANE Select); coding-DNA position 4792, C replaced by G.
Protein change: p.Leu1598Val; replaces leucine 1598 with valine.
Molecular consequence: missense variant.
Genome position (GRCh38, 1-based): chr6:52,025,018, G>C on the plus strand (C>G on the coding strand, the complement: PKHD1 is on the minus strand). VCF-style: chr6-52025018-G-C. GRCh37 (hg19) VCF-style: chr6-51889816-G-C.
Other names: c.4792C>G (NM_138694.3); c.4792C>G, p.Leu1598Val (NM_170724.3); short protein forms L1598V.
Identifiers: ClinVar variation 595967 (VCV000595967.13), dbSNP rs1562162277, ClinGen allele CA364431393.

ClinVar aggregate classification (germline): Uncertain significance. Review status: criteria provided, multiple submitters, no conflicts (2 of 4 stars). 4 submissions from 4 submitters: Uncertain significance (4). Last evaluated 2025-09-24.

Conditions:
PKHD1-related disorder. Also called: PKHD1-related condition.
Autosomal recessive polycystic kidney disease (ARPKD). Also called: AR polycystic kidney disease. Identifiers: Orphanet 731, Orphanet 8378, MedGen C0085548, MeSH D017044, MONDO:0009889.
Inborn genetic diseases. Identifiers: MedGen C0950123, MeSH D030342.

Submissions (4):

Ambry Genetics
Classification: Uncertain significance for Inborn genetic diseases. Last evaluated: 2025-09-24. Review status: criteria provided, single submitter. Criteria: Ambry Variant Classification Scheme 2023. Collection method: clinical testing. Allele origin: germline.

PreventionGenetics, part of Exact Sciences
Classification: Uncertain significance for PKHD1-related condition. Last evaluated: 2025-01-31. Review status: criteria provided, single submitter. Criteria: ACMG Guidelines, 2015. Collection method: clinical testing. Allele origin: germline.
Comment: The PKHD1 c.4792C>G variant is predicted to result in the amino acid substitution p.Leu1598Val. To our knowledge, this variant has not been reported in the literature or in a large population database (gnomAD), indicating this variant is rare. At this time, the clinical significance of this variant is uncertain due to the absence of conclusive functional and genetic evidence.

Labcorp Genetics (formerly Invitae), Labcorp
Classification: Uncertain significance for Autosomal recessive polycystic kidney disease. Last evaluated: 2023-11-27. Review status: criteria provided, single submitter. Criteria: Invitae Variant Classification Sherloc (09022015). Collection method: clinical testing. Allele origin: germline.
Comment: This sequence change replaces leucine, which is neutral and non-polar, with valine, which is neutral and non-polar, at codon 1598 of the PKHD1 protein (p.Leu1598Val). This variant is not present in population databases (gnomAD no frequency). This variant has not been reported in the literature in individuals affected with PKHD1-related conditions. ClinVar contains an entry for this variant (Variation ID: 595967). Advanced modeling of protein sequence and biophysical properties (such as structural, functional, and spatial information, amino acid conservation, physicochemical variation, residue mobility, and thermodynamic stability) has been performed at Invitae for this missense variant, however the output from this modeling did not meet the statistical confidence thresholds required to predict the impact of this variant on PKHD1 protein function. In summary, the available evidence is currently insufficient to determine the role of this variant in disease. Therefore, it has been classified as a Variant of Uncertain Significance.

Eurofins Ntd Llc (ga)
Classification: Uncertain significance. Last evaluated: 2018-02-02. Review status: criteria provided, single submitter. Criteria: EGL Classification Definitions 2015. Collection method: clinical testing. Allele origin: germline. Observed: 1 variant allele, 1 heterozygote.